The following is an entry in ClinVar:

ClinVar aggregate classification (germline): Pathogenic/Likely pathogenic. Review status: criteria provided, multiple submitters, no conflicts (2 of 4 stars). 2 submissions from 2 submitters: Pathogenic (1); Likely pathogenic (1). Last evaluated 2022-06-27.

Conditions:
Duchenne muscular dystrophy (DMD). Also called: MUSCULAR DYSTROPHY, PSEUDOHYPERTROPHIC PROGRESSIVE, DUCHENNE TYPE; Duchenne Muscular Dystrophy (DMD). Identifiers: Orphanet 98896, MedGen C0013264, MONDO:0010679, OMIM 310200.

Submissions (2):

Labcorp Genetics (formerly Invitae), Labcorp
Classification: Likely pathogenic for Duchenne muscular dystrophy. Last evaluated: 2022-06-27. Review status: criteria provided, single submitter. Criteria: Invitae Variant Classification Sherloc (09022015). Collection method: clinical testing. Allele origin: germline.
Comment: ClinVar contains an entry for this variant (Variation ID: 198665). In summary, the currently available evidence indicates that the variant is pathogenic, but additional data are needed to prove that conclusively. Therefore, this variant has been classified as Likely Pathogenic. Studies have shown that disruption of this splice site is associated with altered splicing resulting in multiple RNA products (PMID: 10533061). This variant is also known as IVS74-2A->G. Disruption of this splice site has been observed in individual(s) with Becker muscular dystrophy and/or clinical features of DMD-related conditions (PMID: 10533061; Invitae). This variant is not present in population databases (gnomAD no frequency). This sequence change affects an acceptor splice site in intron 74 of the DMD gene. It is expected to disrupt RNA splicing. Variants that disrupt the donor or acceptor splice site typically lead to a loss of protein function (PMID: 16199547), and loss-of-function variants in DMD are known to be pathogenic (PMID: 16770791, 25007885).

Eurofins Ntd Llc (ga)
Classification: Pathogenic. Last evaluated: 2014-05-08. Review status: criteria provided, single submitter. Criteria: EGL Classification Definitions 2015. Collection method: clinical testing. Allele origin: germline. Observed: 1 variant allele, 1 hemizygote.

Literature cited by the submitters: PubMed 10533061 (cited by Labcorp Genetics (formerly Invitae), Labcorp); PubMed 16199547 (cited by Labcorp Genetics (formerly Invitae), Labcorp); PubMed 16770791 (cited by Labcorp Genetics (formerly Invitae), Labcorp); PubMed 25007885 (cited by Labcorp Genetics (formerly Invitae), Labcorp).

NM_004006.3(DMD):c.10554-2A>G

Gene: DMD (dystrophin; minus strand). Cytogenetic location: Xp21.2.
Variant type: single nucleotide variant.
Coding change: c.10554-2A>G on transcript NM_004006.3 (MANE Select); the canonical splice acceptor site of the intron before coding-DNA position 10554, A replaced by G.
Molecular consequence: splice acceptor variant.
Genome position (GRCh38, 1-based): chrX:31,147,520, T>C on the plus strand (A>G on the coding strand, the complement: DMD is on the minus strand). VCF-style: chrX-31147520-T-C. GRCh37 (hg19) VCF-style: chrX-31165637-T-C.
Other names: c.10530-2A>G (NM_000109.4); c.6531-2A>G (NM_004011.4); c.6522-2A>G (NM_004012.4); c.2844-2A>G (NM_004023.3, NM_004020.4); c.3135-2A>G (NM_004022.3); c.3174-2A>G (NM_004021.3, NM_004013.3); c.2367-2A>G (NM_004014.3); c.1311-2A>G (NM_004018.3, NM_004017.3); and 3 more.
Identifiers: ClinVar variation 198665 (VCV000198665.10), dbSNP rs794727890, ClinGen allele CA275409.